The following is an entry in ClinVar:

NM_001080770.2(KIR2DL4):c.*5G>A

Gene: KIR2DL4 (killer cell immunoglobulin like receptor, two Ig domains and long cytoplasmic tail 4). Cytogenetic location: 19q13.42.
Variant type: single nucleotide variant.
Coding change: c.*5G>A on transcript NM_001080770.2 (MANE Select); 5 bases downstream of the stop codon, G replaced by A.
Molecular consequence: 3 prime UTR variant.
Genome position (GRCh38, 1-based): chr19:54,814,116, G>A. VCF-style: chr19-54814116-G-A. GRCh37 (hg19) VCF-style: chr19-55325571-G-A.
Other names: c.*316G>A (NM_001080772.2).
Identifiers: ClinVar variation 2650482 (VCV002650482.24), dbSNP rs370869656, ClinGen allele CA309912769.

ClinVar aggregate classification (germline): Likely benign (1 of 4 stars; one submission).

Allele frequency attached by ClinVar (database versions not stated): 1000 Genomes Project 0.00040; ExAC 0.00202; 1000 Genomes Project 30x 0.00468; gnomAD 0.00776; TOPMed 0.00827.
gnomAD v4.1: 16,509 of 1,608,478 alleles (1%); highest among the groups gnomAD compares: Middle Eastern, 1.4%; 369 homozygotes.

Submission:

CeGaT Center for Human Genetics Tuebingen
Classification: Likely benign. Last evaluated: 2023-11-01. Review status: criteria provided, single submitter. Criteria: CeGaT Center For Human Genetics Tuebingen Variant Classification Criteria Version 2. Collection method: clinical testing. Allele origin: germline. Affected: yes. Observed: 2 variant alleles.
Comment: KIR2DL4: BS2